The following is an entry in ClinVar:

ClinVar aggregate classification (germline): Likely pathogenic (1 of 4 stars; one submission).

Submission:

Labcorp Genetics (formerly Invitae), Labcorp
Classification: Likely pathogenic. Last evaluated: 2020-03-28. Review status: criteria provided, single submitter. Criteria: Invitae Variant Classification Sherloc (09022015). Collection method: clinical testing. Allele origin: germline.
Comment: This variant has not been reported in the literature in individuals with COL7A1-related conditions. Algorithms developed to predict the effect of sequence changes on RNA splicing suggest that this variant may disrupt the consensus splice site, but this prediction has not been confirmed by published transcriptional studies. Donor and acceptor splice site variants typically lead to a loss of protein function (PMID: 16199547), and loss-of-function variants in COL7A1 are known to be pathogenic (PMID: 16971478). In summary, the currently available evidence indicates that the variant is pathogenic, but additional data are needed to prove that conclusively. Therefore, this variant has been classified as Likely Pathogenic. This variant is not present in population databases (ExAC no frequency). This sequence change affects an acceptor splice site in intron 74 of the COL7A1 gene. It is expected to disrupt RNA splicing and likely results in an absent or disrupted protein product.

Literature cited by the submitters: PubMed 16199547; PubMed 16971478.

NM_000094.4(COL7A1):c.6217-2del

Gene: COL7A1 (collagen type VII alpha 1 chain; minus strand). Cytogenetic location: 3p21.31.
Variant type: Deletion.
Coding change: c.6217-2del on transcript NM_000094.4 (MANE Select); the canonical splice acceptor site of the intron before coding-DNA position 6217, one base deleted (A; older notation c.6217-2delA).
Molecular consequence: splice acceptor variant.
Genome position (GRCh38, 1-based): chr3:48,575,128, T deleted on the plus strand (A on the coding strand, the reverse complement: COL7A1 is on the minus strand). VCF-style (leftmost placement, unchanged base first): chr3-48575127-CT-C. GRCh37 (hg19) VCF-style: chr3-48612560-CT-C.
Identifiers: ClinVar variation 945822 (VCV000945822.7), dbSNP rs2044200662, ClinGen allele CA1139658058.
Genomic context (GRCh38, chr3:48,575,127, plus strand): 5'-GGGGCCAGGGGGTCCGGGGGGCCCAGGGGTTCCAGGGAGTCCAGGAGGGCCATCTCTGCC[CT>C]GCAGGAAACAAGAAAATGGGGTGGCAGCCCCAGCACAGCCTCCAGACAGCCTGCCCCACG-3'